The following is an entry in ClinVar:

ClinVar aggregate classification (germline): Pathogenic. Review status: criteria provided, multiple submitters, no conflicts (2 of 4 stars). 2 submissions from 2 submitters: Pathogenic (2). Last evaluated 2024-12-23.

Conditions:
Osteogenesis imperfecta type I (OI1). Also called: OI, TYPE I; OSTEOGENESIS IMPERFECTA TARDA; OSTEOGENESIS IMPERFECTA WITH BLUE SCLERAE; Lobstein's Disease; Classic Non-deforming Osteogenesis Imperfecta with Blue Sclerae; Lobstein disease. Identifiers: Orphanet 216796, Orphanet 666, MedGen C0023931, MONDO:0008146, OMIM 166200. Disease mechanism: loss of function.
Ehlers-Danlos syndrome, classic type, 1 (EDSCL1). Also called: Ehlers-Danlos Syndrome, Classic Type, COL5A1-Related; EDS I; Ehlers-Danlos syndrome, type 1; EHLERS-DANLOS SYNDROME, GRAVIS TYPE; EHLERS-DANLOS SYNDROME, SEVERE CLASSIC TYPE. Identifiers: MedGen C0268335, MONDO:0019567, OMIM 130000.

Submissions (2):

GeneDx
Classification: Pathogenic. Last evaluated: 2024-12-23. Review status: criteria provided, single submitter. Criteria: GeneDx Variant Classification Process June 2021. Collection method: clinical testing. Allele origin: germline. Affected: yes.
Comment: Occurs in the triple helical domain and replaces a glycine in a canonical Gly-X-Y repeat; missense substitution of a canonical glycine residue is expected to disrupt normal protein folding and function, and this is an established mechanism of disease (PMID: 34007986); Not observed at significant frequency in large population cohorts (gnomAD); In silico analysis supports that this missense variant has a deleterious effect on protein structure/function; This variant is associated with the following publications: (PMID: 34007986, 17078022)

Labcorp Genetics (formerly Invitae), Labcorp
Classification: Pathogenic for Osteogenesis imperfecta type I; Ehlers-Danlos syndrome, classic type, 1. Last evaluated: 2023-08-24. Review status: criteria provided, single submitter. Criteria: Invitae Variant Classification Sherloc (09022015). Collection method: clinical testing. Allele origin: germline.
Comment: This variant disrupts the triple helix domain of COL1A2. Glycine residues within the Gly-Xaa-Yaa repeats of the triple helix domain are required for the structure and stability of fibrillar collagens (PMID: 7695699, 8218237, 19344236). In COL1A2, variants affecting these glycine residues are significantly enriched in individuals with disease (PMID: 9016532, 17078022) compared to the general population (ExAC). This sequence change replaces glycine, which is neutral and non-polar, with glutamic acid, which is acidic and polar, at codon 493 of the COL1A2 protein (p.Gly493Glu). This variant is not present in population databases (gnomAD no frequency). This missense change has been observed in individuals with osteogenesis imperfecta (PMID: 17078022). ClinVar contains an entry for this variant (Variation ID: 526885). Advanced modeling of protein sequence and biophysical properties (such as structural, functional, and spatial information, amino acid conservation, physicochemical variation, residue mobility, and thermodynamic stability) performed at Invitae indicates that this missense variant is expected to disrupt COL1A2 protein function. For these reasons, this variant has been classified as Pathogenic.

Literature cited by the submitters: PubMed 7695699 (cited by Labcorp Genetics (formerly Invitae), Labcorp); PubMed 8218237 (cited by Labcorp Genetics (formerly Invitae), Labcorp); PubMed 19344236 (cited by Labcorp Genetics (formerly Invitae), Labcorp); PubMed 9016532 (cited by Labcorp Genetics (formerly Invitae), Labcorp); PubMed 17078022 (cited by Labcorp Genetics (formerly Invitae), Labcorp).

NM_000089.4(COL1A2):c.1478G>A (p.Gly493Glu)

Gene: COL1A2 (collagen type I alpha 2 chain; plus strand). Cytogenetic location: 7q21.3.
Variant type: single nucleotide variant.
Coding change: c.1478G>A on transcript NM_000089.4 (MANE Select); coding-DNA position 1478, G replaced by A.
Protein change: p.Gly493Glu; replaces glycine 493 with glutamic acid.
Molecular consequence: missense variant.
Genome position (GRCh38, 1-based): chr7:94,412,657, G>A. VCF-style: chr7-94412657-G-A. GRCh37 (hg19) VCF-style: chr7-94041969-G-A.
Other names: short protein forms G493E.
Identifiers: ClinVar variation 526885 (VCV000526885.14), dbSNP rs72658121, ClinGen allele CA162925217.